The following is an entry in ClinVar:

NM_001267550.2(TTN):c.19484G>A (p.Gly6495Asp)

Gene: TTN (titin; minus strand). Cytogenetic location: 2q31.2.
Variant type: single nucleotide variant.
Coding change: c.19484G>A on transcript NM_001267550.2 (MANE Select); coding-DNA position 19484, G replaced by A.
Protein change: p.Gly6495Asp; replaces glycine 6495 with aspartic acid.
Molecular consequence: missense variant. On other transcripts: intron variant (3).
Genome position (GRCh38, 1-based): chr2:178,728,340, C>T on the plus strand (G>A on the coding strand, the complement: TTN is on the minus strand). VCF-style: chr2-178728340-C-T. GRCh37 (hg19) VCF-style: chr2-179593067-C-T.
Other names: c.18533G>A, p.Gly6178Asp (NM_001256850.1); c.15752G>A, p.Gly5251Asp (NM_133378.4); c.13282+9742G>A (NM_003319.4); c.13858+9742G>A (NM_133437.4); c.13657+9742G>A (NM_133432.3); c.19484G>A (NM_001267550.1); short protein forms G5251D, G6495D, G6178D.
Identifiers: ClinVar variation 691757 (VCV000691757.5), dbSNP rs182633829, ClinGen allele CA349555451.

ClinVar aggregate classification (germline): Conflicting classifications of pathogenicity. Review status: criteria provided, conflicting classifications (1 of 4 stars). 3 submissions from 3 submitters: Uncertain significance (2); Likely benign (1). Last evaluated 2024-08-13.

Conditions:
Hypertrophic cardiomyopathy. Also called: HYPERTROPHIC MYOCARDIOPATHY. Identifiers: Orphanet 217569, MedGen C0007194, MeSH D002312, MONDO:0005045, HP:0001639.

Allele frequency attached by ClinVar (database versions not stated): gnomAD 0.00001; TOPMed 0.00001.
gnomAD v4.1: 1 of 1,608,856 alleles (0.000062%); highest among the groups gnomAD compares: African/African-American, 0.0013%; no homozygotes.

Submissions (3):

GeneDx
Classification: Uncertain significance. Last evaluated: 2024-08-13. Review status: criteria provided, single submitter. Criteria: GeneDx Variant Classification Process June 2021. Collection method: clinical testing. Allele origin: germline. Affected: yes.
Comment: Not observed at significant frequency in large population cohorts (gnomAD); Missense variant in a gene in which most reported pathogenic variants are truncating/loss of function; Has not been previously published as pathogenic or benign to our knowledge

Revvity Omics, Revvity
Classification: Uncertain significance. Last evaluated: 2019-12-16. Review status: criteria provided, single submitter. Criteria: ACMG Guidelines, 2015. Collection method: clinical testing. Allele origin: germline.

Center for Advanced Laboratory Medicine, UC San Diego Health, University of California San Diego
Classification: Likely benign for Hypertrophic cardiomyopathy. Last evaluated: 2019-04-01. Review status: criteria provided, single submitter. Criteria: ACMG Guidelines, 2015. Collection method: clinical testing. Allele origin: germline. Affected: yes. Observed: 1 variant allele.